The following is an entry in ClinVar:

NM_000528.4(MAN2B1):c.1802G>A (p.Trp601Ter)

Gene: MAN2B1 (mannosidase alpha class 2B member 1; minus strand). Cytogenetic location: 19p13.13.
Variant type: single nucleotide variant.
Coding change: c.1802G>A on transcript NM_000528.4 (MANE Select); coding-DNA position 1802, G replaced by A.
Protein change: p.Trp601Ter; replaces tryptophan 601 with a stop codon.
Molecular consequence: nonsense.
Genome position (GRCh38, 1-based): chr19:12,655,722, C>T on the plus strand (G>A on the coding strand, the complement: MAN2B1 is on the minus strand). VCF-style: chr19-12655722-C-T. GRCh37 (hg19) VCF-style: chr19-12766536-C-T.
Other names: c.1799G>A, p.Trp600Ter (NM_001173498.2); short protein forms W600*, W601*.
Identifiers: ClinVar variation 1442745 (VCV001442745.6), dbSNP rs2145250103, ClinGen allele CA404244740.

ClinVar aggregate classification (germline): Pathogenic (1 of 4 stars; one submission).

Conditions:
Deficiency of alpha-mannosidase (MANSA). Also called: LYSOSOMAL ALPHA-D-MANNOSIDASE DEFICIENCY; Mannosidosis, alpha-, types I and II; Alpha-Mannosidosis. Identifiers: Orphanet 61, MedGen C0024748, MONDO:0009561, OMIM 248500.

Submission:

Labcorp Genetics (formerly Invitae), Labcorp
Classification: Pathogenic for Deficiency of alpha-mannosidase. Last evaluated: 2021-04-13. Review status: criteria provided, single submitter. Criteria: Invitae Variant Classification Sherloc (09022015). Collection method: clinical testing. Allele origin: germline.
Comment: This sequence change creates a premature translational stop signal (p.Trp601*) in the MAN2B1 gene. It is expected to result in an absent or disrupted protein product. Loss-of-function variants in MAN2B1 are known to be pathogenic (PMID: 9915946, 22161967). This variant is not present in population databases (ExAC no frequency). This variant has not been reported in the literature in individuals with MAN2B1-related conditions. For these reasons, this variant has been classified as Pathogenic.

Literature cited by the submitters: PubMed 9915946; PubMed 22161967.